The following is an entry in ClinVar:

NM_005458.8(GABBR2):c.1802T>C (p.Val601Ala)

Gene: GABBR2 (gamma-aminobutyric acid type B receptor subunit 2; minus strand). Cytogenetic location: 9q22.33.
Variant type: single nucleotide variant.
Coding change: c.1802T>C on transcript NM_005458.8 (MANE Select); coding-DNA position 1802, T replaced by C.
Protein change: p.Val601Ala; replaces valine 601 with alanine.
Molecular consequence: missense variant.
Genome position (GRCh38, 1-based): chr9:98,362,806, A>G on the plus strand (T>C on the coding strand, the complement: GABBR2 is on the minus strand). VCF-style: chr9-98362806-A-G. GRCh37 (hg19) VCF-style: chr9-101125088-A-G.
Other names: short protein forms V601A.
Identifiers: ClinVar variation 5001111 (VCV005001111.1).

ClinVar aggregate classification (germline): Uncertain significance (1 of 4 stars; one submission).

Conditions:
GABBR2-related disorder. Also called: GABBR2-related disorders; GABBR2-related condition.

Submission:

PreventionGenetics, part of Exact Sciences
Classification: Uncertain significance for GABBR2-related condition. Last evaluated: 2025-08-07. Review status: criteria provided, single submitter. Criteria: ACMG Guidelines, 2015. Collection method: clinical testing. Allele origin: germline.
Comment: The GABBR2 c.1802T>C variant is predicted to result in the amino acid substitution p.Val601Ala. To our knowledge, this variant has not been reported in the literature or in a large population database (gnomAD), indicating this variant is rare. At this time, the clinical significance of this variant is uncertain due to the absence of conclusive functional and genetic evidence.